The following is an entry in ClinVar:

ClinVar aggregate classification (germline): Uncertain significance (1 of 4 stars; one submission).

gnomAD v4.1: 9 of 1,609,394 alleles (0.00056%); highest among the groups gnomAD compares: African/African-American, 0.012%; no homozygotes.

Submission:

Ambry Genetics
Classification: Uncertain significance. Last evaluated: 2024-10-15. Review status: criteria provided, single submitter. Criteria: Ambry Variant Classification Scheme 2023. Collection method: clinical testing. Allele origin: germline.
Comment: The p.M795L variant (also known as c.2383A>T) is located in coding exon 11 of the WNK2 gene. The methionine at codon 795 is replaced by leucine, an amino acid with highly similar properties. This change occurs in the first base pair of coding exon 11. This amino acid position is conserved. In addition, this alteration is predicted to be tolerated by in silico analysis. Based on the available evidence, the clinical significance of this variant remains unclear.

NM_006648.4(WNK2):c.2383A>T (p.Met795Leu)

Gene: WNK2 (WNK lysine deficient protein kinase 2; plus strand). Cytogenetic location: 9q22.31.
Variant type: single nucleotide variant.
Coding change: c.2383A>T on transcript NM_006648.4 (MANE Select); coding-DNA position 2383, A replaced by T.
Protein change: p.Met795Leu; replaces methionine 795 with leucine.
Molecular consequence: missense variant.
Genome position (GRCh38, 1-based): chr9:93,258,931, A>T. VCF-style: chr9-93258931-A-T. GRCh37 (hg19) VCF-style: chr9-96021213-A-T.
Other names: c.2383A>T, p.Met795Leu (NM_001282394.3); short protein forms M795L.
Identifiers: ClinVar variation 3470104 (VCV003470104.1).